The following is an entry in ClinVar:

NM_000601.6(HGF):c.2146A>C (p.Ile716Leu)

Gene: HGF (hepatocyte growth factor; minus strand). Cytogenetic location: 7q21.11.
Variant type: single nucleotide variant.
Coding change: c.2146A>C on transcript NM_000601.6 (MANE Select); coding-DNA position 2146, A replaced by C.
Protein change: p.Ile716Leu; replaces isoleucine 716 with leucine.
Molecular consequence: missense variant.
Genome position (GRCh38, 1-based): chr7:81,702,622, T>G on the plus strand (A>C on the coding strand, the complement: HGF is on the minus strand). VCF-style: chr7-81702622-T-G. GRCh37 (hg19) VCF-style: chr7-81331938-T-G.
Other names: c.2131A>C, p.Ile711Leu (NM_001010932.3); short protein forms I711L, I716L.
Identifiers: ClinVar variation 1462791 (VCV001462791.6), dbSNP rs1480950083, ClinGen allele CA367871455.

ClinVar aggregate classification (germline): Uncertain significance (1 of 4 stars; one submission).

Allele frequency attached by ClinVar (database versions not stated): TOPMed below 0.00001; gnomAD 0.00001.
gnomAD v4.1: 1 of 1,611,262 alleles (0.000062%); highest among the groups gnomAD compares: African/African-American, 0.0013%; no homozygotes.

Submission:

Labcorp Genetics (formerly Invitae), Labcorp
Classification: Uncertain significance. Last evaluated: 2022-01-13. Review status: criteria provided, single submitter. Criteria: Invitae Variant Classification Sherloc (09022015). Collection method: clinical testing. Allele origin: germline.
Comment: In summary, the available evidence is currently insufficient to determine the role of this variant in disease. Therefore, it has been classified as a Variant of Uncertain Significance. Algorithms developed to predict the effect of missense changes on protein structure and function are either unavailable or do not agree on the potential impact of this missense change (SIFT: "Not Available"; PolyPhen-2: "Benign"; Align-GVGD: "Not Available"). This variant has not been reported in the literature in individuals affected with HGF-related conditions. This variant is not present in population databases (gnomAD no frequency). This sequence change replaces isoleucine with leucine at codon 716 of the HGF protein (p.Ile716Leu). The isoleucine residue is highly conserved and there is a small physicochemical difference between isoleucine and leucine.